The following is an entry in ClinVar:

NM_000363.5(TNNI3):c.571T>C (p.Trp191Arg)

Gene: TNNI3 (troponin I3, cardiac type; minus strand). Cytogenetic location: 19q13.42.
Variant type: single nucleotide variant.
Coding change: c.571T>C on transcript NM_000363.5 (MANE Select); coding-DNA position 571, T replaced by C.
Protein change: p.Trp191Arg; replaces tryptophan 191 with arginine.
Molecular consequence: missense variant.
Genome position (GRCh38, 1-based): chr19:55,151,896, A>G on the plus strand (T>C on the coding strand, the complement: TNNI3 is on the minus strand). VCF-style: chr19-55151896-A-G. GRCh37 (hg19) VCF-style: chr19-55663264-A-G.
Other names: short protein forms W191R.
Identifiers: ClinVar variation 4943972 (VCV004943972.2).
Genomic context (GRCh38, chr19:55,151,896, plus strand): 5'-AGCTCTCAAACTTTTTCTTGCGGCCCTCCATTCCACTCAGTGCATCGATGTTCTTGCGCC[A>G]GTCTCCCACCTCCCGGTTTTCCTGGAGGATGGCGATGAGTCAGAGGTTAGGGTCTCTTCT-3'
Protein context (NP_000354.4, residues 181-201): TEKENREVGD[Trp191Arg]RKNIDALSGM

ClinVar aggregate classification (germline): Likely pathogenic. Review status: criteria provided, multiple submitters, no conflicts (2 of 4 stars). 2 submissions from 2 submitters: Likely pathogenic (2). Last evaluated 2026-07-01.

Conditions:
TNNI3-related disorder. Also called: TNNI3-related condition; TNNI3-related disorders.

Submissions (2):

CeGaT Center for Human Genetics Tuebingen
Classification: Likely pathogenic. Last evaluated: 2026-07-01. Review status: criteria provided, single submitter. Criteria: CeGaT Center For Human Genetics Tuebingen Variant Classification Criteria Version 2. Collection method: clinical testing. Allele origin: germline. Affected: yes. Observed: 1 variant allele.
Comment: TNNI3: PM1, PM2, PP3, PS4:Supporting

Blueprint Genetics
Classification: Likely pathogenic for TNNI3-related disorders. Last evaluated: 2022-11-15. Review status: criteria provided, single submitter. Criteria: ACMG Guidelines, 2015. Collection method: clinical testing. Allele origin: germline. Affected: yes. Observed: 1 variant allele.